The following is an entry in ClinVar:

NM_012210.4(TRIM32):c.-6A>G

Genes: ASTN2 (astrotactin 2; minus strand), TRIM32 (tripartite motif containing 32; plus strand). Cytogenetic location: 9q33.1.
Variant type: single nucleotide variant.
Coding change: c.-6A>G on transcript NM_012210.4 (MANE Select); 6 bases upstream of the start codon, A replaced by G.
Molecular consequence: 5 prime UTR variant. On other transcripts: intron variant (3).
Genome position (GRCh38, 1-based): chr9:116,697,737, A>G. VCF-style: chr9-116697737-A-G. GRCh37 (hg19) VCF-style: chr9-119460016-A-G.
Other names: c.-6A>G (NM_001099679.2, NM_001379048.1, NM_001379049.1 and 1 more transcripts); c.2653+28034T>C (NM_014010.5); c.2794+28034T>C (NM_001365069.1); c.2806+28034T>C (NM_001365068.1).
Identifiers: ClinVar variation 3029594 (VCV003029594.2), dbSNP rs1383799272, ClinGen allele CA590501282.

ClinVar aggregate classification (germline): Likely benign (0 of 4 stars; one submission).

Conditions:
TRIM32-related disorder. Also called: TRIM32-related condition.

Allele frequency attached by ClinVar (database versions not stated): gnomAD exomes below 0.00001.
gnomAD v4.1: 2 of 1,613,892 alleles (0.00012%); highest among the groups gnomAD compares: Admixed American, 0.0033%; no homozygotes.

Submission:

PreventionGenetics, part of Exact Sciences
Classification: Likely benign for TRIM32-related condition. Last evaluated: 2021-12-08. Review status: no assertion criteria provided. Collection method: clinical testing. Allele origin: germline.
Comment: This variant is classified as likely benign based on ACMG/AMP sequence variant interpretation guidelines (Richards et al. 2015 PMID: 25741868, with internal and published modifications).